The following is an entry in ClinVar:

NM_004821.3(HAND1):c.36C>A (p.His12Gln)

Gene: HAND1 (heart and neural crest derivatives expressed 1; minus strand). Cytogenetic location: 5q33.2.
Variant type: single nucleotide variant.
Coding change: c.36C>A on transcript NM_004821.3 (MANE Select); coding-DNA position 36, C replaced by A.
Protein change: p.His12Gln; replaces histidine 12 with glutamine.
Molecular consequence: missense variant.
Genome position (GRCh38, 1-based): chr5:154,477,973, G>T on the plus strand (C>A on the coding strand, the complement: HAND1 is on the minus strand). VCF-style: chr5-154477973-G-T. GRCh37 (hg19) VCF-style: chr5-153857533-G-T.
Other names: short protein forms H12Q.
Identifiers: ClinVar variation 2769784 (VCV002769784.3), dbSNP rs1347266849, ClinGen allele CA361924067.

ClinVar aggregate classification (germline): Uncertain significance (1 of 4 stars; one submission).

Conditions:
Hypoplastic left heart syndrome. Also called: Hypoplastic left ventricle; Hypoplastic left heart. Identifiers: Orphanet 2248, MedGen C0152101, MONDO:0004933, HP:0004383.

Submission:

Labcorp Genetics (formerly Invitae), Labcorp
Classification: Uncertain significance for Hypoplastic left heart syndrome. Last evaluated: 2023-10-18. Review status: criteria provided, single submitter. Criteria: Invitae Variant Classification Sherloc (09022015). Collection method: clinical testing. Allele origin: germline.
Comment: This sequence change replaces histidine, which is basic and polar, with glutamine, which is neutral and polar, at codon 12 of the HAND1 protein (p.His12Gln). This variant is not present in population databases (gnomAD no frequency). This variant has not been reported in the literature in individuals affected with HAND1-related conditions. An algorithm developed to predict the effect of missense changes on protein structure and function (PolyPhen-2) suggests that this variant is likely to be tolerated. In summary, the available evidence is currently insufficient to determine the role of this variant in disease. Therefore, it has been classified as a Variant of Uncertain Significance.